The following is an entry in ClinVar:

ClinVar aggregate classification (germline): Uncertain significance (1 of 4 stars; one submission).

gnomAD v4.1: 2 of 1,613,916 alleles (0.00012%); highest among the groups gnomAD compares: Admixed American, 0.0017%; no homozygotes.

Submission:

Labcorp Genetics (formerly Invitae), Labcorp
Classification: Uncertain significance. Last evaluated: 2025-08-26. Review status: criteria provided, single submitter. Criteria: Invitae Variant Classification Sherloc (09022015). Collection method: clinical testing. Allele origin: germline.
Comment: This sequence change replaces lysine, which is basic and polar, with arginine, which is basic and polar, at codon 283 of the WNT5A protein (p.Lys283Arg). This variant is present in population databases (no rsID available, gnomAD 0.003%). This variant has not been reported in the literature in individuals affected with WNT5A-related conditions. Invitae Evidence Modeling of protein sequence and biophysical properties (such as structural, functional, and spatial information, amino acid conservation, physicochemical variation, residue mobility, and thermodynamic stability) indicates that this missense variant is not expected to disrupt WNT5A protein function with a negative predictive value of 80%. In summary, the available evidence is currently insufficient to determine the role of this variant in disease. Therefore, it has been classified as a Variant of Uncertain Significance.

NM_003392.7(WNT5A):c.848A>G (p.Lys283Arg)

Gene: WNT5A (Wnt family member 5A; minus strand). Cytogenetic location: 3p14.3.
Variant type: single nucleotide variant.
Coding change: c.848A>G on transcript NM_003392.7 (MANE Select); coding-DNA position 848, A replaced by G.
Protein change: p.Lys283Arg; replaces lysine 283 with arginine.
Molecular consequence: missense variant.
Genome position (GRCh38, 1-based): chr3:55,470,387, T>C on the plus strand (A>G on the coding strand, the complement: WNT5A is on the minus strand). VCF-style: chr3-55470387-T-C. GRCh37 (hg19) VCF-style: chr3-55504415-T-C.
Other names: c.803A>G, p.Lys268Arg (NM_001256105.1, NM_001377271.1, NM_001377272.1); short protein forms K268R, K283R.
Identifiers: ClinVar variation 4700383 (VCV004700383.1).